The following is an entry in ClinVar:

ClinVar aggregate classification (germline): Uncertain significance. Review status: criteria provided, multiple submitters, no conflicts (2 of 4 stars). 2 submissions from 2 submitters: Uncertain significance (2). Last evaluated 2025-12-22.

Submissions (2):

Labcorp Genetics (formerly Invitae), Labcorp
Classification: Uncertain significance. Last evaluated: 2025-12-22. Review status: criteria provided, single submitter. Criteria: Invitae Variant Classification Sherloc (09022015). Collection method: clinical testing. Allele origin: germline.
Comment: This sequence change replaces glutamic acid, which is acidic and polar, with lysine, which is basic and polar, at codon 622 of the NPAT protein (p.Glu622Lys). This variant is not present in population databases (gnomAD no frequency). This variant has not been reported in the literature in individuals affected with NPAT-related conditions. ClinVar contains an entry for this variant (Variation ID: 1781560). An algorithm developed to predict the effect of missense changes on protein structure and function (PolyPhen-2) suggests that this variant is likely to be disruptive. In summary, the available evidence is currently insufficient to determine the role of this variant in disease. Therefore, it has been classified as a Variant of Uncertain Significance.

Ambry Genetics
Classification: Uncertain significance. Last evaluated: 2022-03-08. Review status: criteria provided, single submitter. Criteria: Ambry Variant Classification Scheme 2023. Collection method: clinical testing. Allele origin: germline.
Comment: The p.E622K variant (also known as c.1864G>A), located in coding exon 13 of the NPAT gene, results from a G to A substitution at nucleotide position 1864. The glutamic acid at codon 622 is replaced by lysine, an amino acid with similar properties. This amino acid position is conserved. In addition, this alteration is predicted to be tolerated by in silico analysis. Since supporting evidence is limited at this time, the clinical significance of this alteration remains unclear.

NM_002519.3(NPAT):c.1864G>A (p.Glu622Lys)

Gene: NPAT (nuclear protein, coactivator of histone transcription; minus strand). Cytogenetic location: 11q22.3.
Variant type: single nucleotide variant.
Coding change: c.1864G>A on transcript NM_002519.3 (MANE Select); coding-DNA position 1864, G replaced by A.
Protein change: p.Glu622Lys; replaces glutamic acid 622 with lysine.
Molecular consequence: missense variant.
Genome position (GRCh38, 1-based): chr11:108,173,120, C>T on the plus strand (G>A on the coding strand, the complement: NPAT is on the minus strand). VCF-style: chr11-108173120-C-T. GRCh37 (hg19) VCF-style: chr11-108043847-C-T.
Other names: c.1864G>A, p.Glu622Lys (NM_001321307.1); short protein forms E622K.
Identifiers: ClinVar variation 1781560 (VCV001781560.3), dbSNP rs2496719636, ClinGen allele CA382514190.